The following is an entry in ClinVar:

ClinVar aggregate classification (germline): Uncertain significance. Review status: criteria provided, multiple submitters, no conflicts (2 of 4 stars). 2 submissions from 2 submitters: Uncertain significance (2). Last evaluated 2024-04-24.

Conditions:
Fanconi anemia (FA). Also called: Fanconi's anemia. Identifiers: Orphanet 84, MedGen C0015625, MeSH D005199, MONDO:0019391.
Fanconi anemia complementation group I (FANCI). Also called: FANCI-Related Fanconi Anemia. Identifiers: Orphanet 84, MedGen C1836861, MONDO:0012186, OMIM 609053.

Allele frequency attached by ClinVar (database versions not stated): ExAC 0.00001; gnomAD exomes 0.00001 and 0.00002; TOPMed 0.00001.
gnomAD v4.1: 9 of 1,614,084 alleles (0.00056%); highest among the groups gnomAD compares: Admixed American, 0.005%; no homozygotes.

Submissions (2):

Fulgent Genetics
Classification: Uncertain significance for Fanconi anemia complementation group I. Last evaluated: 2024-04-24. Review status: criteria provided, single submitter. Criteria: ACMG Guidelines, 2015. Collection method: clinical testing. Allele origin: germline.

Labcorp Genetics (formerly Invitae), Labcorp
Classification: Uncertain significance for Fanconi anemia. Last evaluated: 2022-10-02. Review status: criteria provided, single submitter. Criteria: Invitae Variant Classification Sherloc (09022015). Collection method: clinical testing. Allele origin: germline.
Comment: This sequence change replaces tyrosine, which is neutral and polar, with cysteine, which is neutral and slightly polar, at codon 215 of the FANCI protein (p.Tyr215Cys). This variant is present in population databases (rs751222800, gnomAD 0.006%). This variant has not been reported in the literature in individuals affected with FANCI-related conditions. ClinVar contains an entry for this variant (Variation ID: 1450449). Advanced modeling of protein sequence and biophysical properties (such as structural, functional, and spatial information, amino acid conservation, physicochemical variation, residue mobility, and thermodynamic stability) performed at Invitae indicates that this missense variant is expected to disrupt FANCI protein function. In summary, the available evidence is currently insufficient to determine the role of this variant in disease. Therefore, it has been classified as a Variant of Uncertain Significance.

NM_001113378.2(FANCI):c.644A>G (p.Tyr215Cys)

Gene: FANCI (FA complementation group I; plus strand). Cytogenetic location: 15q26.1.
Variant type: single nucleotide variant.
Coding change: c.644A>G on transcript NM_001113378.2 (MANE Select); coding-DNA position 644, A replaced by G.
Protein change: p.Tyr215Cys; replaces tyrosine 215 with cysteine.
Molecular consequence: missense variant.
Genome position (GRCh38, 1-based): chr15:89,264,001, A>G. VCF-style: chr15-89264001-A-G. GRCh37 (hg19) VCF-style: chr15-89807232-A-G.
Other names: c.365A>G, p.Tyr122Cys (NM_001376910.1); c.644A>G, p.Tyr215Cys (NM_001376911.1, NM_018193.3); short protein forms Y215C, Y122C.
Identifiers: ClinVar variation 1450449 (VCV001450449.5), dbSNP rs751222800, ClinGen allele CA7722706.